The following is an entry in ClinVar:

ClinVar aggregate classification (germline): Uncertain significance. Review status: criteria provided, multiple submitters, no conflicts (2 of 4 stars). 2 submissions from 2 submitters: Uncertain significance (2). Last evaluated 2024-08-13.

Conditions:
Fanconi anemia complementation group J. Also called: BRIP1-Related Fanconi Anemia. Identifiers: Orphanet 84, MedGen C1836860, MONDO:0012187, OMIM 609054.
Familial cancer of breast. Also called: hereditary breast carcinoma; BREAST CANCER, FAMILIAL; Hereditary breast cancer. Identifiers: Orphanet 227535, MedGen C0346153, MONDO:0016419, OMIM 114480. Disease mechanism: loss of function.
Hereditary cancer-predisposing syndrome. Also called: Neoplastic Syndromes, Hereditary; Hereditary Cancer Syndrome; Hereditary neoplastic syndrome; Tumor predisposition. Identifiers: Orphanet 140162, MedGen C0027672, MeSH D009386, MONDO:0015356.

Submissions (2):

Labcorp Genetics (formerly Invitae), Labcorp
Classification: Uncertain significance for Familial cancer of breast; Fanconi anemia complementation group J. Last evaluated: 2024-08-13. Review status: criteria provided, single submitter. Criteria: Invitae Variant Classification Sherloc (09022015). Collection method: clinical testing. Allele origin: germline.
Comment: This sequence change replaces lysine, which is basic and polar, with asparagine, which is neutral and polar, at codon 141 of the BRIP1 protein (p.Lys141Asn). This variant is not present in population databases (gnomAD no frequency). This variant has not been reported in the literature in individuals affected with BRIP1-related conditions. ClinVar contains an entry for this variant (Variation ID: 824711). Advanced modeling of protein sequence and biophysical properties (such as structural, functional, and spatial information, amino acid conservation, physicochemical variation, residue mobility, and thermodynamic stability) performed at Invitae indicates that this missense variant is not expected to disrupt BRIP1 protein function with a negative predictive value of 80%. In summary, the available evidence is currently insufficient to determine the role of this variant in disease. Therefore, it has been classified as a Variant of Uncertain Significance.

Ambry Genetics
Classification: Uncertain significance for Hereditary cancer-predisposing syndrome. Last evaluated: 2024-02-27. Review status: criteria provided, single submitter. Criteria: Ambry Variant Classification Scheme 2023. Collection method: clinical testing. Allele origin: germline.
Comment: The p.K141N variant (also known as c.423G>C), located in coding exon 4 of the BRIP1 gene, results from a G to C substitution at nucleotide position 423. The lysine at codon 141 is replaced by asparagine, an amino acid with similar properties. This amino acid position is highly conserved in available vertebrate species. In addition, this alteration is predicted to be tolerated by in silico analysis. Since supporting evidence is limited at this time, the clinical significance of this alteration remains unclear.

NM_032043.3(BRIP1):c.423G>C (p.Lys141Asn)

Gene: BRIP1 (BRCA1 interacting DNA helicase 1; minus strand). Cytogenetic location: 17q23.2.
Variant type: single nucleotide variant.
Coding change: c.423G>C on transcript NM_032043.3 (MANE Select); coding-DNA position 423, G replaced by C.
Protein change: p.Lys141Asn; replaces lysine 141 with asparagine.
Molecular consequence: missense variant.
Genome position (GRCh38, 1-based): chr17:61,849,213, C>G on the plus strand (G>C on the coding strand, the complement: BRIP1 is on the minus strand). VCF-style: chr17-61849213-C-G. GRCh37 (hg19) VCF-style: chr17-59926574-C-G.
Other names: short protein forms K141N.
Identifiers: ClinVar variation 824711 (VCV000824711.13), dbSNP rs1603362663, ClinGen allele CA400484531.